The following is an entry in ClinVar:

ClinVar aggregate classification (germline): Likely pathogenic (3 of 4 stars; one submission).

Conditions:
Phenylketonuria (PKU). Also called: FOLLING DISEASE; Phenylketonuria (PKU); OLIGOPHRENIA PHENYLPYRUVICA; Phenylketonurias. Identifiers: Orphanet 716, MedGen C0031485, MONDO:0009861, OMIM 261600. Disease mechanism: loss of function.

Submission:

ClinGen PAH Variant Curation Expert Panel
Classification: Likely pathogenic for Phenylketonuria. Last evaluated: 2019-08-11. Review status: reviewed by expert panel. Criteria: ClinGen PAH ACMG Specifications v1. Collection method: curation. Allele origin: germline. Inheritance: Autosomal recessive inheritance.
Comment: Likely pathogenic: The c. 60+4A>T was reported in two patients with PKU, who carried a second pathogenic variant (PMID: 17502162, parental studies not reported). Further, computational splice site algorithms predict a reduction at the donor site of intron 1. This variant is absent from population databases, including 1000 Genomes, ESP, and gnomAD. In summary, this variant meets criteria to be classified as likely pathogenic for PAH. PAH-specific ACMG/AMP criteria applied: PM3, PM2, PP3, PP4.

Literature cited by the submitters: PubMed 17502162.

NM_000277.3(PAH):c.60+4A>T

Gene: PAH (phenylalanine hydroxylase; minus strand). Cytogenetic location: 12q23.2.
Variant type: single nucleotide variant.
Coding change: c.60+4A>T on transcript NM_000277.3 (MANE Select); 4 bases into the intron after coding-DNA position 60, A replaced by T.
Molecular consequence: intron variant.
Genome position (GRCh38, 1-based): chr12:102,917,067, T>A on the plus strand (A>T on the coding strand, the complement: PAH is on the minus strand). VCF-style: chr12-102917067-T-A. GRCh37 (hg19) VCF-style: chr12-103310845-T-A.
Other names: c.60+4A>T (NM_001354304.2).
Identifiers: ClinVar variation 805806 (VCV000805806.1), dbSNP rs1592991145, ClinGen allele CA16020722.
Genomic context (GRCh38, chr12:102,917,067, plus strand): 5'-TCGGATCTCTTTCTCTGGAGGCCCAAATTCCCCTAACTGAGCAGCTCAGGCTGCCGTGGC[T>A]CACCTGTCCAAAGTCAGAGAGTTTCCTGCCCAAGCCTGGGTTTTCCAGGACCGCAGTGGA-3'